The following is an entry in ClinVar:

NM_001297.5(CNGB1):c.3692C>T (p.Pro1231Leu)

Gene: CNGB1 (cyclic nucleotide gated channel subunit beta 1; minus strand). Cytogenetic location: 16q21.
Variant type: single nucleotide variant.
Coding change: c.3692C>T on transcript NM_001297.5 (MANE Select); coding-DNA position 3692, C replaced by T.
Protein change: p.Pro1231Leu; replaces proline 1231 with leucine.
Molecular consequence: missense variant.
Genome position (GRCh38, 1-based): chr16:57,884,228, G>A on the plus strand (C>T on the coding strand, the complement: CNGB1 is on the minus strand). VCF-style: chr16-57884228-G-A. GRCh37 (hg19) VCF-style: chr16-57918132-G-A.
Other names: c.3674C>T, p.Pro1225Leu (NM_001286130.2); short protein forms P1225L, P1231L.
Identifiers: ClinVar variation 862980 (VCV000862980.8), dbSNP rs369171197, ClinGen allele CA8082474.

ClinVar aggregate classification (germline): Uncertain significance. Review status: criteria provided, multiple submitters, no conflicts (2 of 4 stars). 3 submissions from 3 submitters: Uncertain significance (3). Last evaluated 2022-10-05.

Conditions:
Inborn genetic diseases. Identifiers: MedGen C0950123, MeSH D030342.

Allele frequency attached by ClinVar (database versions not stated): ESP Exome Variant Server 0.00008; gnomAD 0.00018 and 0.00019; TOPMed 0.00021.
gnomAD v4.1: 56 of 1,613,782 alleles (0.0035%); highest among the groups gnomAD compares: African/African-American, 0.069%; no homozygotes.

Submissions (3):

Labcorp Genetics (formerly Invitae), Labcorp
Classification: Uncertain significance. Last evaluated: 2022-10-05. Review status: criteria provided, single submitter. Criteria: Invitae Variant Classification Sherloc (09022015). Collection method: clinical testing. Allele origin: germline.
Comment: This sequence change replaces proline, which is neutral and non-polar, with leucine, which is neutral and non-polar, at codon 1231 of the CNGB1 protein (p.Pro1231Leu). This variant is present in population databases (rs369171197, gnomAD 0.03%). This variant has not been reported in the literature in individuals affected with CNGB1-related conditions. ClinVar contains an entry for this variant (Variation ID: 862980). Advanced modeling of protein sequence and biophysical properties (such as structural, functional, and spatial information, amino acid conservation, physicochemical variation, residue mobility, and thermodynamic stability) performed at Invitae indicates that this missense variant is not expected to disrupt CNGB1 protein function. In summary, the available evidence is currently insufficient to determine the role of this variant in disease. Therefore, it has been classified as a Variant of Uncertain Significance.

Blueprint Genetics
Classification: Uncertain significance. Last evaluated: 2022-05-20. Review status: criteria provided, single submitter. Criteria: ACMG Guidelines, 2015. Collection method: clinical testing. Allele origin: germline.

Ambry Genetics
Classification: Uncertain significance for Inborn genetic diseases. Last evaluated: 2021-07-16. Review status: criteria provided, single submitter. Criteria: Ambry Variant Classification Scheme 2023. Collection method: clinical testing. Allele origin: germline.